The following is an entry in ClinVar:

NM_206937.2(LIG4):c.1918A>G (p.Ile640Val)

Gene: LIG4 (DNA ligase 4; minus strand). Cytogenetic location: 13q33.3.
Variant type: single nucleotide variant.
Coding change: c.1918A>G on transcript NM_206937.2 (MANE Select); coding-DNA position 1918, A replaced by G.
Protein change: p.Ile640Val; replaces isoleucine 640 with valine.
Molecular consequence: missense variant.
Genome position (GRCh38, 1-based): chr13:108,209,351, T>C on the plus strand (A>G on the coding strand, the complement: LIG4 is on the minus strand). VCF-style: chr13-108209351-T-C. GRCh37 (hg19) VCF-style: chr13-108861699-T-C.
Other names: c.1918A>G, p.Ile640Val (NM_001098268.2, NM_001352598.2, NM_001352599.2 and 6 more transcripts); c.1717A>G, p.Ile573Val (NM_001330595.2); c.1954A>G, p.Ile652Val (NM_001352604.2); short protein forms I573V, I640V, I652V.
Identifiers: ClinVar variation 1442571 (VCV001442571.3), dbSNP rs1404206174, ClinGen allele CA388615398.

ClinVar aggregate classification (germline): Uncertain significance (1 of 4 stars; one submission).

Conditions:
DNA ligase IV deficiency. Identifiers: Orphanet 99812, MedGen C1847827, MONDO:0011686, OMIM 606593.

Allele frequency attached by ClinVar (database versions not stated): TOPMed below 0.00001; gnomAD exomes 0.00001.

Submission:

Labcorp Genetics (formerly Invitae), Labcorp
Classification: Uncertain significance for DNA ligase IV deficiency. Last evaluated: 2022-03-02. Review status: criteria provided, single submitter. Criteria: Invitae Variant Classification Sherloc (09022015). Collection method: clinical testing. Allele origin: germline.
Comment: This sequence change replaces isoleucine, which is neutral and non-polar, with valine, which is neutral and non-polar, at codon 640 of the LIG4 protein (p.Ile640Val). This variant is present in population databases (no rsID available, gnomAD 0.002%). This variant has not been reported in the literature in individuals affected with LIG4-related conditions. Algorithms developed to predict the effect of missense changes on protein structure and function output the following: SIFT: "Tolerated"; PolyPhen-2: "Benign"; Align-GVGD: "Class C0". The valine amino acid residue is found in multiple mammalian species, which suggests that this missense change does not adversely affect protein function. In summary, the available evidence is currently insufficient to determine the role of this variant in disease. Therefore, it has been classified as a Variant of Uncertain Significance.